The following is an entry in ClinVar:

NM_019892.6(INPP5E):c.1047G>A (p.Glu349=)

Gene: INPP5E (inositol polyphosphate-5-phosphatase E; minus strand). Cytogenetic location: 9q34.3.
Variant type: single nucleotide variant.
Coding change: c.1047G>A on transcript NM_019892.6 (MANE Select); coding-DNA position 1047, G replaced by A.
Protein change: p.Glu349=; no amino-acid change (glutamic acid 349 retained).
Molecular consequence: synonymous variant.
Genome position (GRCh38, 1-based): chr9:136,433,267, C>T on the plus strand (G>A on the coding strand, the complement: INPP5E is on the minus strand). VCF-style: chr9-136433267-C-T. GRCh37 (hg19) VCF-style: chr9-139327719-C-T.
Other names: c.1047G>A, p.Glu349= (NM_001318502.2); c.1047G>A (NM_019892.5).
Identifiers: ClinVar variation 755309 (VCV000755309.12), dbSNP rs752019065, ClinGen allele CA5336963.
Genomic context (GRCh38, chr9:136,433,267, plus strand): 5'-GCCGTGGGCCGCCGAGGACAGCAGCACATAGTGCGGGCCCAGCGTCTCCTGCAGACGAGT[C>T]TCCCACTCCCGCCTGCAGAGGAGGAAGCACGGCCGGCTGGGGGACATGGCCTCCCAGCTC-3'
Protein context (NP_063945.2, residues 339-359): QEGCSDRREW[Glu349=]TRLQETLGPH

ClinVar aggregate classification (germline): Likely benign. Review status: criteria provided, multiple submitters, no conflicts (2 of 4 stars). 2 submissions from 2 submitters: Likely benign (2). Last evaluated 2026-09-02.

Conditions:
INPP5E-related disorder. Also called: INPP5E-related condition.
Joubert syndrome. Also called: JOUBERT-BOLTSHAUSER SYNDROME; Familial aplasia of the vermis. Identifiers: Orphanet 475, MedGen C5979921, MONDO:0018772.

Allele frequency attached by ClinVar (database versions not stated): gnomAD exomes below 0.00001; gnomAD 0.00001; ExAC 0.00002; TOPMed 0.00002.

Submissions (2):

PreventionGenetics, part of Exact Sciences
Classification: Likely benign for INPP5E-related condition. Last evaluated: 2026-09-02. Review status: criteria provided, single submitter. Criteria: ACMG Guidelines, 2015. Collection method: clinical testing. Allele origin: germline.
Comment: This variant is classified as likely benign based on ACMG/AMP sequence variant interpretation guidelines (Richards et al. 2015 PMID: 25741868, with internal and published modifications).

Labcorp Genetics (formerly Invitae), Labcorp
Classification: Likely benign for Joubert syndrome. Last evaluated: 2024-01-29. Review status: criteria provided, single submitter. Criteria: Invitae Variant Classification Sherloc (09022015). Collection method: clinical testing. Allele origin: germline.